The following is an entry in ClinVar:

NM_001999.4(FBN2):c.439C>T (p.Gln147Ter)

Gene: FBN2 (fibrillin 2; minus strand). Cytogenetic location: 5q23.3.
Variant type: single nucleotide variant.
Coding change: c.439C>T on transcript NM_001999.4 (MANE Select); coding-DNA position 439, C replaced by T.
Protein change: p.Gln147Ter; replaces glutamine 147 with a stop codon.
Molecular consequence: nonsense.
Genome position (GRCh38, 1-based): chr5:128,527,965, G>A on the plus strand (C>T on the coding strand, the complement: FBN2 is on the minus strand). VCF-style: chr5-128527965-G-A. GRCh37 (hg19) VCF-style: chr5-127863658-G-A.
Other names: short protein forms Q147*.
Identifiers: ClinVar variation 3351733 (VCV003351733.1).

ClinVar aggregate classification (germline): Uncertain significance (0 of 4 stars; one submission).

Conditions:
FBN2-related disorder. Also called: FBN2-related condition.

Submission:

PreventionGenetics, part of Exact Sciences
Classification: Uncertain significance for FBN2-related condition. Last evaluated: 2024-06-25. Review status: no assertion criteria provided. Collection method: clinical testing. Allele origin: germline.
Comment: The FBN2 c.439C>T variant is predicted to result in premature protein termination (p.Gln147*). To our knowledge, this variant has not been reported in the literature or in a large population database, indicating this variant is rare. Although we suspect that this variant may be pathogenic, at this time, the clinical significance of this variant is uncertain due to the absence of conclusive functional and genetic evidence.